The following is an entry in ClinVar:

NM_000257.4(MYH7):c.4232G>A (p.Cys1411Tyr)

Gene: MYH7 (myosin heavy chain 7; minus strand). Cytogenetic location: 14q11.2.
Variant type: single nucleotide variant.
Coding change: c.4232G>A on transcript NM_000257.4 (MANE Select); coding-DNA position 4232, G replaced by A.
Protein change: p.Cys1411Tyr; replaces cysteine 1411 with tyrosine.
Molecular consequence: missense variant.
Genome position (GRCh38, 1-based): chr14:23,417,624, C>T on the plus strand (G>A on the coding strand, the complement: MYH7 is on the minus strand). VCF-style: chr14-23417624-C-T. GRCh37 (hg19) VCF-style: chr14-23886833-C-T.
Other names: c.4232G>A, p.Cys1411Tyr (NM_001407004.1); short protein forms C1411Y.
Identifiers: ClinVar variation 3072127 (VCV003072127.1), dbSNP rs2502251999, ClinGen allele CA389040413.

ClinVar aggregate classification (germline): Uncertain significance (1 of 4 stars; one submission).

Conditions:
Cardiomyopathy (CMYO). Also called: Cardiomyopathies. Identifiers: Orphanet 167848, MedGen C0878544, MONDO:0004994, HP:0001638. Inheritance: Various modes of inheritance.

Submission:

All of Us Research Program, National Institutes of Health
Classification: Uncertain significance for Cardiomyopathy. Last evaluated: 2023-06-26. Review status: criteria provided, single submitter. Criteria: ACMG Guidelines, 2015. Collection method: clinical testing. Allele origin: germline. Inheritance: Autosomal dominant inheritance. Observed: 1 variant allele, 1 heterozygote.
Comment: This missense variant replaces cysteine with tyrosine at codon 1411 of the MYH7 protein. Computational prediction suggests that this variant may have deleterious impact on protein structure and function (internally defined REVEL score threshold >= 0.7, PMID: 27666373). To our knowledge, functional studies have not been reported for this variant. This variant has not been reported in individuals affected with MYH7-related disorders in the literature. This variant has not been identified in the general population by the Genome Aggregation Database (gnomAD). The available evidence is insufficient to determine the role of this variant in disease conclusively. Therefore, this variant is classified as a Variant of Uncertain Significance.

This study involves interpretation of variants in research participants for the purpose of population health screening. Participant phenotype was not available at the time of variant classification. Additional details can be found in publication PMID: 35346344, PMCID: PMC8962531